The following is an entry in ClinVar:

NM_001101426.4(CRPPA):c.221G>C (p.Arg74Thr)

Gene: CRPPA (CDP-L-ribitol pyrophosphorylase A; minus strand). Cytogenetic location: 7p21.2.
Variant type: single nucleotide variant.
Coding change: c.221G>C on transcript NM_001101426.4 (MANE Select); coding-DNA position 221, G replaced by C.
Protein change: p.Arg74Thr; replaces arginine 74 with threonine.
Molecular consequence: missense variant. On other transcripts: non-coding transcript variant (1).
Genome position (GRCh38, 1-based): chr7:16,421,102, C>G on the plus strand (G>C on the coding strand, the complement: CRPPA is on the minus strand). VCF-style: chr7-16421102-C-G. GRCh37 (hg19) VCF-style: chr7-16460727-C-G.
Other names: c.221G>C, p.Arg74Thr (NM_001101417.4, NM_001368197.1); short protein forms R74T.
Identifiers: ClinVar variation 497569 (VCV000497569.13), dbSNP rs1292380177, ClinGen allele CA367003927.
Genomic context (GRCh38, chr7:16,421,102, plus strand): 5'-GGGGCGCGCCCGGCGCCGCATTACCTCTCCAGGGCCTGTAGGGTGTAGCTGATGAGCGGC[C>G]TCTCCAGGATGGGGCAGAATTGCTTCGGGGTGGGGACCCCCATCCTCTCCCCGCACCCCC-3'
Protein context (NP_001094896.1, residues 64-84): TPKQFCPILE[Arg74Thr]PLISYTLQAL

ClinVar aggregate classification (germline): Uncertain significance. Review status: criteria provided, multiple submitters, no conflicts (2 of 4 stars). 3 submissions from 3 submitters: Uncertain significance (3). Last evaluated 2025-10-06.

Conditions:
Autosomal recessive limb-girdle muscular dystrophy type 2U. Also called: MUSCULAR DYSTROPHY, LIMB-GIRDLE, TYPE 2U; Muscular dystrophy-dystroglycanopathy (limb-girdle), type c, 7. Identifiers: Orphanet 352479, MedGen C5190987, MONDO:0014474, OMIM 616052.
Muscular dystrophy-dystroglycanopathy (congenital with brain and eye anomalies), type A, 7. Also called: WALKER-WARBURG SYNDROME OR MUSCLE-EYE-BRAIN DISEASE, ISPD-RELATED; Congenital muscular dystrophy-dystroglycanopathy with brain and eye anomalies, type A7. Identifiers: Orphanet 899, MedGen C3553330, MONDO:0013835, OMIM 614643.

Allele frequency attached by ClinVar (database versions not stated): gnomAD 0.00001 and 0.00002; TOPMed 0.00001.
gnomAD v4.1: 2 of 1,300,826 alleles (0.00015%); highest among the groups gnomAD compares: African/African-American, 0.0031%; no homozygotes.

Submissions (3):

Labcorp Genetics (formerly Invitae), Labcorp
Classification: Uncertain significance for Muscular dystrophy-dystroglycanopathy (congenital with brain and eye anomalies), type A, 7; Autosomal recessive limb-girdle muscular dystrophy type 2U. Last evaluated: 2025-10-06. Review status: criteria provided, single submitter. Criteria: Invitae Variant Classification Sherloc (09022015). Collection method: clinical testing. Allele origin: germline.
Comment: This sequence change replaces arginine, which is basic and polar, with threonine, which is neutral and polar, at codon 74 of the ISPD protein (p.Arg74Thr). This variant is present in population databases (no rsID available, gnomAD 0.01%). This variant has not been reported in the literature in individuals affected with ISPD-related conditions. ClinVar contains an entry for this variant (Variation ID: 497569). Invitae Evidence Modeling of protein sequence and biophysical properties (such as structural, functional, and spatial information, amino acid conservation, physicochemical variation, residue mobility, and thermodynamic stability) indicates that this missense variant is expected to disrupt ISPD protein function with a positive predictive value of 80%. In summary, the available evidence is currently insufficient to determine the role of this variant in disease. Therefore, it has been classified as a Variant of Uncertain Significance.

Laboratorio de Genetica e Diagnostico Molecular, Hospital Israelita Albert Einstein
Classification: Uncertain significance for Autosomal recessive limb-girdle muscular dystrophy type 2U. Last evaluated: 2022-07-29. Review status: criteria provided, single submitter. Criteria: ACMG Guidelines, 2015. Collection method: clinical testing. Allele origin: germline. Affected: yes. Observed: 1 variant allele.
Comment: ACMG classification criteria: PM2 moderated, PP3 supporting

Eurofins Ntd Llc (ga)
Classification: Uncertain significance. Last evaluated: 2016-10-07. Review status: criteria provided, single submitter. Criteria: EGL Classification Definitions 2015. Collection method: clinical testing. Allele origin: germline. Observed: 1 variant allele, 1 heterozygote.